The following is an entry in ClinVar:

ClinVar aggregate classification (germline): Likely pathogenic (1 of 4 stars; one submission).

Conditions:
Junctional epidermolysis bullosa gravis of Herlitz. Also called: Herlitz-type junctional epidermolysis bullosa; Epidermolysis Bullosa Letalis; EPIDERMOLYSIS BULLOSA, JUNCTIONAL 1B, SEVERE; EPIDERMOLYSIS BULLOSA JUNCTIONALIS, HERLITZ TYPE; EPIDERMOLYSIS BULLOSA, JUNCTIONAL, HERLITZ-PEARSON TYPE; JEB-HERLITZ TYPE. Identifiers: Orphanet 79404, MedGen C0079683, MONDO:0009182, OMIM 226700.

Submission:

Myriad Genetics, Inc.
Classification: Likely pathogenic for Junctional epidermolysis bullosa gravis of Herlitz. Last evaluated: 2019-06-12. Review status: criteria provided, single submitter. Criteria: Myriad Women's Health Autosomal Recessive and X-Linked Classification Criteria (2019). Collection method: clinical testing. Allele origin: unknown.
Comment: NM_005562.2(LAMC2):c.1552C>T(Q518*) is expected to be pathogenic in the context of junctional epidermolysis bullosa, LAMC2-related. This variant is predicted to lead to an abnormal or absent protein product due to the creation of a premature termination codon in LAMC2, a gene where loss-of-function variants are known to be pathogenic. Please note: this variant was assessed in the context of healthy population screening.

NM_005562.3(LAMC2):c.1552C>T (p.Gln518Ter)

Gene: LAMC2 (laminin subunit gamma 2; plus strand). Cytogenetic location: 1q25.3.
Variant type: single nucleotide variant.
Coding change: c.1552C>T on transcript NM_005562.3 (MANE Select); coding-DNA position 1552, C replaced by T.
Protein change: p.Gln518Ter; replaces glutamine 518 with a stop codon.
Molecular consequence: nonsense.
Genome position (GRCh38, 1-based): chr1:183,228,457, C>T. VCF-style: chr1-183228457-C-T. GRCh37 (hg19) VCF-style: chr1-183197592-C-T.
Other names: c.1552C>T, p.Gln518Ter (NM_018891.3); short protein forms Q518*.
Identifiers: ClinVar variation 983661 (VCV000983661.3), dbSNP rs1659698585, ClinGen allele CA343688939.